The following is an entry in ClinVar:

ClinVar aggregate classification (germline): Uncertain significance (1 of 4 stars; one submission).

Conditions:
Inborn genetic diseases. Identifiers: MedGen C0950123, MeSH D030342.

Allele frequency attached by ClinVar (database versions not stated): TOPMed 0.00002.
gnomAD v4.1: 22 of 1,604,108 alleles (0.0014%); highest among the groups gnomAD compares: East Asian, 0.025%; no homozygotes.

Submission:

Ambry Genetics
Classification: Uncertain significance for Inborn genetic diseases. Last evaluated: 2021-03-16. Review status: criteria provided, single submitter. Criteria: Ambry Variant Classification Scheme 2023. Collection method: clinical testing. Allele origin: germline.
Comment: The c.5917G>A (p.D1973N) alteration is located in exon 34 (coding exon 34) of the CACNA1G gene. This alteration results from a G to A substitution at nucleotide position 5917, causing the aspartic acid (D) at amino acid position 1973 to be replaced by an asparagine (N). The p.D1973N alteration is predicted to be tolerated by in silico analysis. Based on insufficient or conflicting evidence, the clinical significance of this alteration remains unclear.

NM_018896.5(CACNA1G):c.5917G>A (p.Asp1973Asn)

Gene: CACNA1G (calcium voltage-gated channel subunit alpha1 G; plus strand). Cytogenetic location: 17q21.33.
Variant type: single nucleotide variant.
Coding change: c.5917G>A on transcript NM_018896.5 (MANE Select); coding-DNA position 5917, G replaced by A.
Protein change: p.Asp1973Asn; replaces aspartic acid 1973 with asparagine.
Molecular consequence: missense variant. On other transcripts: intron variant (20).
Genome position (GRCh38, 1-based): chr17:50,619,818, G>A. VCF-style: chr17-50619818-G-A. GRCh37 (hg19) VCF-style: chr17-48697179-G-A.
Other names: c.5863G>A, p.Asp1955Asn (NM_001256324.2); c.5782G>A, p.Asp1928Asn (NM_001256326.2); c.5884G>A, p.Asp1962Asn (NM_198377.3, NM_198380.3); c.5815G>A, p.Asp1939Asn (NM_198379.3, NM_198396.3); c.5917G>A, p.Asp1973Asn (NM_198385.3); c.5802+810G>A (NM_001256325.2); c.5748+810G>A (NM_198378.3, NM_001256334.2); c.5781+810G>A (NM_198384.3, NM_001256333.2); and 12 more; short protein forms D1973N, D1939N, D1955N, D1962N, D1928N.
Identifiers: ClinVar variation 2229515 (VCV002229515.2), dbSNP rs778293092, ClinGen allele CA291640085.